The following is an entry in ClinVar:

NM_014874.4(MFN2):c.2030T>C (p.Ile677Thr)

Gene: MFN2 (mitofusin 2; plus strand). Cytogenetic location: 1p36.22.
Variant type: single nucleotide variant.
Coding change: c.2030T>C on transcript NM_014874.4 (MANE Select); coding-DNA position 2030, T replaced by C.
Protein change: p.Ile677Thr; replaces isoleucine 677 with threonine.
Molecular consequence: missense variant.
Genome position (GRCh38, 1-based): chr1:12,007,210, T>C. VCF-style: chr1-12007210-T-C. GRCh37 (hg19) VCF-style: chr1-12067267-T-C.
Other names: c.2030T>C, p.Ile677Thr (NM_001127660.2); short protein forms I677T.
Identifiers: ClinVar variation 3600730 (VCV003600730.1).
Genomic context (GRCh38, chr1:12,007,210, plus strand): 5'-AGGAGAGGGCCTTCAAGCGCCAGTTTGTGGAGCATGCCAGCGAGAAGCTGCAGCTTGTCA[T>C]CAGCTACACTGGCTCCAACTGCAGCCACCAAGTCCAGCAGTGAGTGGCCCTGTCGGACCC-3'
Protein context (NP_055689.1, residues 667-687): EHASEKLQLV[Ile677Thr]SYTGSNCSHQ

ClinVar aggregate classification (germline): Uncertain significance (1 of 4 stars; one submission).

Submission:

GeneDx
Classification: Uncertain significance. Last evaluated: 2024-07-25. Review status: criteria provided, single submitter. Criteria: GeneDx Variant Classification Process June 2021. Collection method: clinical testing. Allele origin: germline. Affected: yes.
Comment: Not observed at significant frequency in large population cohorts (gnomAD); In silico analysis supports that this missense variant has a deleterious effect on protein structure/function; Has not been previously published as pathogenic or benign to our knowledge